The following is an entry in ClinVar:

ClinVar aggregate classification (germline): Pathogenic (1 of 4 stars; one submission).

Submission:

Labcorp Genetics (formerly Invitae), Labcorp
Classification: Pathogenic. Last evaluated: 2022-07-04. Review status: criteria provided, single submitter. Criteria: Invitae Variant Classification Sherloc (09022015). Collection method: clinical testing. Allele origin: germline.
Comment: For these reasons, this variant has been classified as Pathogenic. This variant disrupts a region of the ASXL1 protein in which other variant(s) (p.Glu1400*) have been determined to be pathogenic (PMID: 31969346). This suggests that this is a clinically significant region of the protein, and that variants that disrupt it are likely to be disease-causing. This variant has not been reported in the literature in individuals affected with ASXL1-related conditions. This variant is not present in population databases (gnomAD no frequency). This sequence change creates a premature translational stop signal (p.Ser1335Valfs*115) in the ASXL1 gene. While this is not anticipated to result in nonsense mediated decay, it is expected to disrupt the last 207 amino acid(s) of the ASXL1 protein.

Literature cited by the submitters: PubMed 31969346.

NM_015338.6(ASXL1):c.4002del (p.Ser1335fs)

Gene: ASXL1 (ASXL transcriptional regulator 1; plus strand). Cytogenetic location: 20q11.21.
Variant type: Deletion.
Coding change: c.4002del on transcript NM_015338.6 (MANE Select); coding-DNA position 4002, one base deleted (C; older notation c.4002delC).
Protein change: p.Ser1335fs; shifts the reading frame from serine 1335.
Molecular consequence: frameshift variant.
Genome position (GRCh38, 1-based): chr20:32,436,714, C deleted; the last of 3 consecutive C bases (chr20:32,436,712-32,436,714); deleting any one gives the same sequence. VCF-style (leftmost placement, unchanged base first): chr20-32436711-TC-T. GRCh37 (hg19) VCF-style: chr20-31024514-TC-T.
Other names: c.3819del, p.Ser1274fs (NM_001363734.1); short protein forms S1335fs, S1274fs.
Identifiers: ClinVar variation 2014043 (VCV002014043.4), dbSNP rs2515588166, ClinGen allele CA2580098171.